The following is an entry in ClinVar:

ClinVar aggregate classification (germline): Uncertain significance (1 of 4 stars; one submission).

Conditions:
Costello syndrome (CSTLO). Also called: HRAS-Related Costello Syndrome; FACIOCUTANEOSKELETAL SYNDROME; FCS SYNDROME. Identifiers: Orphanet 3071, MedGen C0587248, MONDO:0009026, OMIM 218040.

Submission:

Labcorp Genetics (formerly Invitae), Labcorp
Classification: Uncertain significance for Costello syndrome. Last evaluated: 2022-08-16. Review status: criteria provided, single submitter. Criteria: Invitae Variant Classification Sherloc (09022015). Collection method: clinical testing. Allele origin: germline.
Comment: This variant is not present in population databases (gnomAD no frequency). This variant, c.16_24del, results in the deletion of 3 amino acid(s) of the HRAS protein (p.Leu6_Val8del), but otherwise preserves the integrity of the reading frame. This variant has not been reported in the literature in individuals affected with HRAS-related conditions. Experimental studies and prediction algorithms are not available or were not evaluated, and the functional significance of this variant is currently unknown. In summary, the available evidence is currently insufficient to determine the role of this variant in disease. Therefore, it has been classified as a Variant of Uncertain Significance.

NM_005343.4(HRAS):c.16_24del (p.Leu6_Val8del)

Genes: HRAS (HRas proto-oncogene, GTPase; minus strand), LRRC56 (leucine rich repeat containing 56; plus strand). Cytogenetic location: 11p15.5.
Variant type: Deletion.
Coding change: c.16_24del on transcript NM_005343.4 (MANE Select); coding-DNA positions 16 to 24, 9 bases deleted (CTGGTGGTG; older notation c.16_24delCTGGTGGTG).
Protein change: p.Leu6_Val8del.
Molecular consequence: inframe deletion. On other transcripts: 5 prime UTR variant (1).
Genome position (GRCh38, 1-based): chr11:534,299-534,307, CACCACCAG deleted on the plus strand (CTGGTGGTG on the coding strand, the reverse complement: HRAS is on the minus strand); deleting any 9 consecutive bases within chr11:534,299-534,308 gives the same sequence; the c. name uses the placement nearest the transcript's 3' end. VCF-style (leftmost placement, unchanged base first): chr11-534298-CCACCACCAG-C. GRCh37 (hg19) VCF-style: chr11-534298-CCACCACCAG-C.
Other names: c.16_24del, p.Leu6_Val8del (NM_001130442.3, NM_176795.5); c.-304_-296del (NM_001318054.2).
Identifiers: ClinVar variation 2024247 (VCV002024247.4), dbSNP rs2539803082, ClinGen allele CA2580083855.
Genomic context (GRCh38, chr11:534,298, plus strand): 5'-CAAAATGGTTCTGGATCAGCTGGATGGTCAGCGCACTCTTGCCCACACCGCCGGCGCCCA[CCACCACCAG>C]CTTATATTCCGTCATCGCTCCTCAGGGGCCTGCGGCCCGGGGTCCTCCTACAGGGTCTCC-3'